The following is an entry in ClinVar:

NM_006767.4(LZTR1):c.2407-1G>C

Gene: LZTR1 (leucine zipper like post translational regulator 1; plus strand). Cytogenetic location: 22q11.21.
Variant type: single nucleotide variant.
Coding change: c.2407-1G>C on transcript NM_006767.4 (MANE Select); the canonical splice acceptor site of the intron before coding-DNA position 2407, G replaced by C.
Molecular consequence: splice acceptor variant.
Genome position (GRCh38, 1-based): chr22:20,997,231, G>C. VCF-style: chr22-20997231-G-C. GRCh37 (hg19) VCF-style: chr22-21351520-G-C.
Identifiers: ClinVar variation 2496805 (VCV002496805.6), dbSNP rs200897030, ClinGen allele CA322274130.

ClinVar aggregate classification (germline): Conflicting classifications of pathogenicity. Review status: criteria provided, conflicting classifications (1 of 4 stars). 2 submissions from 2 submitters: Pathogenic (1); Uncertain significance (1). Last evaluated 2025-04-09.

Conditions:
Hereditary cancer-predisposing syndrome. Also called: Neoplastic Syndromes, Hereditary; Hereditary neoplastic syndrome; Tumor predisposition; Hereditary Cancer Syndrome. Identifiers: Orphanet 140162, MedGen C0027672, MeSH D009386, MONDO:0015356.
Cardiovascular phenotype. Identifiers: MedGen CN230736.

gnomAD v4.1: 5 of 1,604,690 alleles (0.00031%); highest among the groups gnomAD compares: Non-Finnish European, 0.00043%; no homozygotes.

Submissions (2):

Ambry Genetics
Classification: Uncertain significance for Cardiovascular phenotype; Hereditary cancer-predisposing syndrome. Last evaluated: 2025-04-09. Review status: criteria provided, single submitter. Criteria: Ambry Variant Classification Scheme 2023. Collection method: clinical testing. Allele origin: germline.
Comment: The c.2407-1G>C intronic variant results from a G to C substitution one nucleotide upstream from coding exon 21 of the LZTR1 gene. Alterations that disrupt the canonical splice site are expected to cause aberrant splicing. In silico splice site analysis predicts that this alteration will weaken the native splice acceptor site and will result in the creation or strengthening of a novel splice acceptor site. The resulting transcript is not expected to trigger nonsense-mediated mRNA decay; however, direct evidence is insufficient at this time (Ambry internal data). The exact functional effect of the altered amino acid sequence is unknown. This nucleotide position is highly conserved in available vertebrate species. Based on the available evidence, the clinical significance of this variant remains unclear.

Labcorp Genetics (formerly Invitae), Labcorp
Classification: Pathogenic. Last evaluated: 2025-02-11. Review status: criteria provided, single submitter. Criteria: Invitae Variant Classification Sherloc (09022015). Collection method: clinical testing. Allele origin: germline.
Comment: This sequence change affects an acceptor splice site in intron 20 of the LZTR1 gene. While this variant is not anticipated to result in nonsense mediated decay, it likely alters RNA splicing and results in a disrupted protein product. This variant is not present in population databases (gnomAD no frequency). Disruption of this splice site has been observed in individual(s) with LZTR1-related conditions (PMID: 29409008, 29469822, 35979676). In at least one individual the data is consistent with being in trans (on the opposite chromosome) from a pathogenic variant. It has also been observed to segregate with disease in related individuals. ClinVar contains an entry for this variant (Variation ID: 2496805). Variants that disrupt the consensus splice site are a relatively common cause of aberrant splicing (PMID: 17576681, 9536098). Algorithms developed to predict the effect of sequence changes on RNA splicing suggest that this variant may disrupt the consensus splice site. For these reasons, this variant has been classified as Pathogenic.

Literature cited by the submitters: PubMed 29409008 (cited by Labcorp Genetics (formerly Invitae), Labcorp); PubMed 29469822 (cited by Labcorp Genetics (formerly Invitae), Labcorp); PubMed 35979676 (cited by Labcorp Genetics (formerly Invitae), Labcorp); PubMed 17576681 (cited by Labcorp Genetics (formerly Invitae), Labcorp); PubMed 9536098 (cited by Labcorp Genetics (formerly Invitae), Labcorp).